The following is an entry in ClinVar:

ClinVar aggregate classification (germline): Uncertain significance (1 of 4 stars; one submission).

Conditions:
Multiple endocrine neoplasia, type 2 (MEN2). Identifiers: Orphanet 653, MedGen C4048306, MONDO:0019003. Disease mechanism: gain of function.

Submission:

All of Us Research Program, National Institutes of Health
Classification: Uncertain significance for Multiple endocrine neoplasia, type 2. Last evaluated: 2024-01-11. Review status: criteria provided, single submitter. Criteria: ACMG Guidelines, 2015. Collection method: clinical testing. Allele origin: germline. Inheritance: Autosomal dominant inheritance. Observed: 1 variant allele, 1 heterozygote.
Comment: This study involves interpretation of variants in research participants for the purpose of population health screening. Participant phenotype was not available at the time of variant classification. Additional details can be found in publication PMID: 35346344, PMCID: PMC8962531

NM_020975.6(RET):c.3079C>A (p.Leu1027Met)

Gene: RET (ret proto-oncogene; plus strand). Cytogenetic location: 10q11.21.
Variant type: single nucleotide variant.
Coding change: c.3079C>A on transcript NM_020975.6 (MANE Select); coding-DNA position 3079, C replaced by A.
Protein change: p.Leu1027Met; replaces leucine 1027 with methionine.
Molecular consequence: missense variant.
Genome position (GRCh38, 1-based): chr10:43,126,614, C>A. VCF-style: chr10-43126614-C-A. GRCh37 (hg19) VCF-style: chr10-43622062-C-A.
Other names: c.3079C>A, p.Leu1027Met (NM_000323.2, NM_001406743.1, NM_001406744.1 and 4 more transcripts); c.2317C>A, p.Leu773Met (NM_001355216.2); c.2950C>A, p.Leu984Met (NM_001406761.1, NM_001406762.1, NM_001406764.1); c.2944C>A, p.Leu982Met (NM_001406763.1, NM_001406765.1); c.2791C>A, p.Leu931Met (NM_001406766.1, NM_001406767.1, NM_001406770.1); c.2815C>A, p.Leu939Met (NM_001406768.1); c.2683C>A, p.Leu895Met (NM_001406769.1, NM_001406772.1); c.2641C>A, p.Leu881Met (NM_001406771.1, NM_001406773.1); and 10 more; short protein forms L1027M, L544M, L592M, L632M, L683M, L685M, L688M, L697M.
Identifiers: ClinVar variation 3075316 (VCV003075316.1), dbSNP rs1564501868, ClinGen allele CA376558344.